The following is an entry in ClinVar:

NM_001134363.3(RBM20):c.991C>A (p.Pro331Thr)

Gene: RBM20 (RNA binding motif protein 20; plus strand). Cytogenetic location: 10q25.2.
Variant type: single nucleotide variant.
Coding change: c.991C>A on transcript NM_001134363.3 (MANE Select); coding-DNA position 991, C replaced by A.
Protein change: p.Pro331Thr; replaces proline 331 with threonine.
Molecular consequence: missense variant.
Genome position (GRCh38, 1-based): chr10:110,781,600, C>A. VCF-style: chr10-110781600-C-A. GRCh37 (hg19) VCF-style: chr10-112541358-C-A.
Other names: short protein forms P331T.
Identifiers: ClinVar variation 3673518 (VCV003673518.3).

ClinVar aggregate classification (germline): Uncertain significance. Review status: criteria provided, multiple submitters, no conflicts (2 of 4 stars). 2 submissions from 2 submitters: Uncertain significance (2). Last evaluated 2025-02-10.

Conditions:
Dilated cardiomyopathy 1DD (CMD1DD). Identifiers: Orphanet 154, MedGen C2750995, MONDO:0013168, OMIM 613172.

Submissions (2):

Women's Health and Genetics/Laboratory Corporation of America, LabCorp
Classification: Uncertain significance. Last evaluated: 2025-02-10. Review status: criteria provided, single submitter. Criteria: LabCorp Variant Classification Summary - May 2015. Collection method: clinical testing. Allele origin: germline.
Comment: Variant summary: RBM20 c.991C>A (p.Pro331Thr) results in a non-conservative amino acid change in the encoded protein sequence. Four of five in-silico tools predict a benign effect of the variant on protein function. The variant was absent in 155334 control chromosomes. The available data on variant occurrences in the general population are insufficient to allow any conclusion about variant significance. To our knowledge, no occurrence of c.991C>A in individuals affected with Dilated Cardiomyopathy and no experimental evidence demonstrating its impact on protein function have been reported. No submitters have cited clinical-significance assessments for this variant to ClinVar. Based on the evidence outlined above, the variant was classified as uncertain significance.

Labcorp Genetics (formerly Invitae), Labcorp
Classification: Uncertain significance for Dilated cardiomyopathy 1DD. Last evaluated: 2024-09-17. Review status: criteria provided, single submitter. Criteria: Invitae Variant Classification Sherloc (09022015). Collection method: clinical testing. Allele origin: germline.
Comment: This sequence change replaces proline, which is neutral and non-polar, with threonine, which is neutral and polar, at codon 331 of the RBM20 protein (p.Pro331Thr). This variant is not present in population databases (gnomAD no frequency). This variant has not been reported in the literature in individuals affected with RBM20-related conditions. Invitae Evidence Modeling of protein sequence and biophysical properties (such as structural, functional, and spatial information, amino acid conservation, physicochemical variation, residue mobility, and thermodynamic stability) indicates that this missense variant is not expected to disrupt RBM20 protein function with a negative predictive value of 95%. In summary, the available evidence is currently insufficient to determine the role of this variant in disease. Therefore, it has been classified as a Variant of Uncertain Significance.